The following is an entry in ClinVar:

NM_000916.4(OXTR):c.159G>A (p.Ala53=)

Gene: OXTR (oxytocin receptor; minus strand). Cytogenetic location: 3p25.3.
Variant type: single nucleotide variant.
Coding change: c.159G>A on transcript NM_000916.4 (MANE Select); coding-DNA position 159, G replaced by A.
Protein change: p.Ala53=; no amino-acid change (alanine 53 retained).
Molecular consequence: synonymous variant.
Genome position (GRCh38, 1-based): chr3:8,768,029, C>T on the plus strand (G>A on the coding strand, the complement: OXTR is on the minus strand). VCF-style: chr3-8768029-C-T. GRCh37 (hg19) VCF-style: chr3-8809715-C-T.
Other names: c.159G>A, p.Ala53= (NM_001354653.2, NM_001354654.2, NM_001354655.2 and 1 more transcripts).
Identifiers: ClinVar variation 3056090 (VCV003056090.2), dbSNP rs202237352, ClinGen allele CA2236650.
Genomic context (GRCh38, chr3:8,768,029, plus strand): 5'-GCGCGAGTGCTTCTGGCGTGTGGTGCGCAGCGCCAGCAGCACACACGCGTTCCCGCTCAG[C>T]GCCAGGAGCAGGATGAGACACAGCACCGCCACCTCCACGCGCGCCAGGGCCTCGTTGCGC-3'
Protein context (NP_000907.2, residues 43-63): VAVLCLILLL[Ala53=]LSGNACVLLA

ClinVar aggregate classification (germline): Likely benign (0 of 4 stars; one submission).

Conditions:
OXTR-related disorder. Also called: OXTR-related condition.

Allele frequency attached by ClinVar (database versions not stated): 1000 Genomes Project 30x 0.00047; 1000 Genomes Project 0.00060.
gnomAD v4.1: 63 of 1,603,824 alleles (0.0039%); highest among the groups gnomAD compares: East Asian, 0.12%; no homozygotes.

Submission:

PreventionGenetics, part of Exact Sciences
Classification: Likely benign for OXTR-related condition. Last evaluated: 2019-08-07. Review status: no assertion criteria provided. Collection method: clinical testing. Allele origin: germline.
Comment: This variant is classified as likely benign based on ACMG/AMP sequence variant interpretation guidelines (Richards et al. 2015 PMID: 25741868, with internal and published modifications).